The following is an entry in ClinVar:

NM_004055.5(CAPN5):c.1369G>A (p.Val457Ile)

Gene: CAPN5 (calpain 5; plus strand). Cytogenetic location: 11q13.5.
Variant type: single nucleotide variant.
Coding change: c.1369G>A on transcript NM_004055.5 (MANE Select); coding-DNA position 1369, G replaced by A.
Protein change: p.Val457Ile; replaces valine 457 with isoleucine.
Molecular consequence: missense variant.
Genome position (GRCh38, 1-based): chr11:77,120,791, G>A. VCF-style: chr11-77120791-G-A. GRCh37 (hg19) VCF-style: chr11-76831837-G-A.
Other names: short protein forms V457I.
Identifiers: ClinVar variation 1016473 (VCV001016473.9), dbSNP rs553160472, ClinGen allele CA6196792.
Genomic context (GRCh38, chr11:77,120,791, plus strand): 5'-TACCGCATGCACAGCCTGCAGCACAAGGCCGCCAGCTCCATCTACATCAACTCACGCAGC[G>A]TCTTCCTGCGCACCGACCAGCCCGAGGGCCGCTATGTCATCATCCCCACAACCTTCGAGC-3'
Protein context (NP_004046.2, residues 447-467): ASSIYINSRS[Val457Ile]FLRTDQPEGR

ClinVar aggregate classification (germline): Uncertain significance (1 of 4 stars; one submission).

Allele frequency attached by ClinVar (database versions not stated): gnomAD 0.00001 and 0.00003; gnomAD exomes 0.00002; ExAC 0.00003; TOPMed 0.00003; 1000 Genomes Project 0.00040; 1000 Genomes Project 30x 0.00047.
gnomAD v4.1: 28 of 1,614,082 alleles (0.0017%); highest among the groups gnomAD compares: South Asian, 0.0077%; no homozygotes.

Submission:

Labcorp Genetics (formerly Invitae), Labcorp
Classification: Uncertain significance. Last evaluated: 2024-09-11. Review status: criteria provided, single submitter. Criteria: Invitae Variant Classification Sherloc (09022015). Collection method: clinical testing. Allele origin: germline.
Comment: This sequence change replaces valine, which is neutral and non-polar, with isoleucine, which is neutral and non-polar, at codon 457 of the CAPN5 protein (p.Val457Ile). This variant is present in population databases (rs553160472, gnomAD 0.006%). This missense change has been observed in individual(s) with CAPN5-related conditions (PMID: 33057194). ClinVar contains an entry for this variant (Variation ID: 1016473). Invitae Evidence Modeling of protein sequence and biophysical properties (such as structural, functional, and spatial information, amino acid conservation, physicochemical variation, residue mobility, and thermodynamic stability) indicates that this missense variant is not expected to disrupt CAPN5 protein function with a negative predictive value of 80%. In summary, the available evidence is currently insufficient to determine the role of this variant in disease. Therefore, it has been classified as a Variant of Uncertain Significance.

Literature cited by the submitters: PubMed 33057194.